The following is an entry in ClinVar:

ClinVar aggregate classification (germline): Conflicting classifications of pathogenicity. Review status: criteria provided, conflicting classifications (1 of 4 stars). 2 submissions from 2 submitters: Uncertain significance (1); Likely benign (1). Last evaluated 2024-06-10.

Conditions:
Deafness-lymphedema-leukemia syndrome. Also called: Lymphedema, primary, with myelodysplasia; Emberger syndrome. Identifiers: Orphanet 3226, MedGen C3279664, MONDO:0013540, OMIM 614038.
Monocytopenia with susceptibility to infections. Also called: MONOCYTOPENIA AND MYCOBACTERIAL INFECTION SYNDROME; MONOCYTOPENIA WITH SUSCEPTIBILITY TO MYCOBACTERIAL, FUNGAL, AND PAPILLOMAVIRUS INFECTIONS AND MYELODYSPLASIA; COMBINED IMMUNODEFICIENCY WITH SUSCEPTIBILITY TO MYCOBACTERIAL, VIRAL, AND FUNGAL INFECTIONS; Dendritic cell, monocyte, B lymphocyte, and natural killer lymphocyte deficiency; GATA2 DEFICIENCY; IMMUNODEFICIENCY 21. Identifiers: Orphanet 228423, MedGen C3280030, MONDO:0013607, OMIM 614172.

gnomAD v4.1: 3 of 152,126 alleles (0.002%); highest among the groups gnomAD compares: Non-Finnish European, 0.0044%; no homozygotes.

Submissions (2):

Labcorp Genetics (formerly Invitae), Labcorp
Classification: Likely benign for Monocytopenia with susceptibility to infections; Deafness-lymphedema-leukemia syndrome. Last evaluated: 2024-06-10. Review status: criteria provided, single submitter. Criteria: Invitae Variant Classification Sherloc (09022015). Collection method: clinical testing. Allele origin: germline.

GeneDx
Classification: Uncertain significance. Last evaluated: 2024-03-27. Review status: criteria provided, single submitter. Criteria: GeneDx Variant Classification Process June 2021. Collection method: clinical testing. Allele origin: germline. Affected: yes.
Comment: In silico analysis supports that this variant does not alter splicing; Has not been previously published as pathogenic or benign to our knowledge; No data available from control populations to assess the frequency of this variant

NM_032638.5(GATA2):c.1017+573G>C

Gene: GATA2 (GATA binding protein 2; minus strand). Cytogenetic location: 3q21.3.
Variant type: single nucleotide variant.
Coding change: c.1017+573G>C on transcript NM_032638.5 (MANE Select); 573 bases into the intron after coding-DNA position 1017, G replaced by C.
Molecular consequence: intron variant.
Genome position (GRCh38, 1-based): chr3:128,483,287, C>G on the plus strand (G>C on the coding strand, the complement: GATA2 is on the minus strand). VCF-style: chr3-128483287-C-G. GRCh37 (hg19) VCF-style: chr3-128202130-C-G.
Other names: c.1017+573G>C (NM_001145662.1, NM_001145661.2).
Identifiers: ClinVar variation 3371425 (VCV003371425.3).
Genomic context (GRCh38, chr3:128,483,287, plus strand): 5'-TCAAAACAGCCCAGCGAGAGGCAGGACTGAGCTGAGGAGACTCTAAAAACTCGCAGAGTC[C>G]GGAAACAGATACACGAAGTTTCCTTATCTTCAGGCTGCAGATGTCCGGATAGGAAACTCC-3'